The following is an entry in ClinVar:

NM_000492.4(CFTR):c.2294G>A (p.Arg765Lys)

Gene: CFTR (CF transmembrane conductance regulator; plus strand). Cytogenetic location: 7q31.2.
Variant type: single nucleotide variant.
Coding change: c.2294G>A on transcript NM_000492.4 (MANE Select); coding-DNA position 2294, G replaced by A.
Protein change: p.Arg765Lys; replaces arginine 765 with lysine.
Molecular consequence: missense variant.
Genome position (GRCh38, 1-based): chr7:117,592,461, G>A. VCF-style: chr7-117592461-G-A. GRCh37 (hg19) VCF-style: chr7-117232515-G-A.
Other names: short protein forms R765K.
Identifiers: ClinVar variation 2587621 (VCV002587621.2), dbSNP rs557228597, ClinGen allele CA4451167.

ClinVar aggregate classification (germline): Uncertain significance (1 of 4 stars; one submission).

Conditions:
Cystic fibrosis (CF). Also called: MUCOVISCIDOSIS. Identifiers: Orphanet 586, MedGen C0010674, MONDO:0009061, OMIM 219700. Disease mechanism: loss of function.

Allele frequency attached by ClinVar (database versions not stated): gnomAD exomes 0.00002; gnomAD 0.00001; 1000 Genomes Project 0.00020; ExAC 0.00001; 1000 Genomes Project 30x 0.00016.
gnomAD v4.1: 10 of 1,585,462 alleles (0.00063%); highest among the groups gnomAD compares: East Asian, 0.02%; no homozygotes.

Submission:

Ambry Genetics
Classification: Uncertain significance for Cystic fibrosis. Last evaluated: 2023-09-13. Review status: criteria provided, single submitter. Criteria: Ambry Variant Classification Scheme 2023. Collection method: clinical testing. Allele origin: germline.
Comment: The p.R765K variant (also known as c.2294G>A), located in coding exon 14 of the CFTR gene, results from a G to A substitution at nucleotide position 2294. The arginine at codon 765 is replaced by lysine, an amino acid with highly similar properties. This amino acid position is conserved. In addition, this alteration is predicted to be deleterious by in silico analysis. Since supporting evidence is limited at this time, the clinical significance of this alteration remains unclear.